The following is an entry in ClinVar:

Conditions:
Breast-ovarian cancer, familial, susceptibility to, 1 (BROVCA1). Also called: BRCA1 Hereditary Breast and Ovarian Cancer; OVARIAN CANCER, SUSCEPTIBILITY TO. Identifiers: Orphanet 145, MedGen C2676676, MONDO:0011450, OMIM 604370. Disease mechanism: loss of function.

Submission:

Brotman Baty Institute, University of Washington
No classification provided (evidence only). Condition: Breast-ovarian cancer, familial 1. Review status: no classification provided. Collection method: in vitro. Allele origin: not applicable. Functional consequence: functionally_normal.
ClinVar note: "not provided" was previously submitted as the classification for the variant. However, the classification appeared to be based only on an observation of functional data so it was converted to no classification on 2025-07-30.

NM_007294.4(BRCA1):c.5314T>A (p.Phe1772Ile)

Gene: BRCA1 (BRCA1 DNA repair associated; minus strand). Cytogenetic location: 17q21.31.
Variant type: single nucleotide variant.
Coding change: c.5314T>A on transcript NM_007294.4 (MANE Select); coding-DNA position 5314, T replaced by A.
Protein change: p.Phe1772Ile; replaces phenylalanine 1772 with isoleucine.
Molecular consequence: missense variant. On other transcripts: non-coding transcript variant (1).
Genome position (GRCh38, 1-based): chr17:43,051,081, A>T on the plus strand (T>A on the coding strand, the complement: BRCA1 is on the minus strand). VCF-style: chr17-43051081-A-T. GRCh37 (hg19) VCF-style: chr17-41203098-A-T.
Other names: c.1792T>A, p.Phe598Ile (NM_001408490.1, NM_001408491.1, NM_001408485.1 and 5 more transcripts); c.1789T>A, p.Phe597Ile (NM_001408492.1, NM_001408493.1); c.1765T>A, p.Phe589Ile (NM_001408494.1); c.1759T>A, p.Phe587Ile (NM_001408495.1); c.1741T>A, p.Phe581Ile (NM_001408496.1, NM_001408497.1, NM_001408498.1 and 3 more transcripts); c.1675T>A, p.Phe559Ile (NM_001408507.1); c.1666T>A, p.Phe556Ile (NM_001408508.1); c.1663T>A, p.Phe555Ile (NM_001408509.1); and 72 more; short protein forms F1772I, F668I, F1793I, F1725I, F1475I, F1659I, F1660I, F1683I.
Identifiers: ClinVar variation 865293 (VCV000865293.3), dbSNP rs2051201351, ClinGen allele CA10590925.